The following is an entry in ClinVar:

ClinVar aggregate classification (germline): Uncertain significance (1 of 4 stars; one submission).

gnomAD v4.1: 5 of 1,614,226 alleles (0.00031%); highest among the groups gnomAD compares: Non-Finnish European, 0.00034%; no homozygotes.

Submission:

Women's Health and Genetics/Laboratory Corporation of America, LabCorp
Classification: Uncertain significance. Last evaluated: 2025-10-22. Review status: criteria provided, single submitter. Criteria: LabCorp Variant Classification Summary - May 2015. Collection method: clinical testing. Allele origin: germline.
Comment: Variant summary: DSE c.580A>G (p.Arg194Gly) results in a non-conservative amino acid change in the encoded protein sequence. Algorithms developed to predict the effect of missense changes on protein structure and function are either unavailable or do not agree on the potential impact of this missense change. The variant allele was found at a frequency of 8e-06 in 251478 control chromosomes. The available data on variant occurrences in the general population are insufficient to allow any conclusion about variant significance. To our knowledge, no occurrence of c.580A>G in individuals affected with DSE-related conditions and no experimental evidence demonstrating its impact on protein function have been reported. No submitters have cited clinical-significance assessments for this variant to ClinVar. Based on the evidence outlined above, the variant was classified as uncertain significance.

NM_013352.4(DSE):c.580A>G (p.Arg194Gly)

Gene: DSE (dermatan sulfate epimerase; plus strand). Cytogenetic location: 6q22.1.
Variant type: single nucleotide variant.
Coding change: c.580A>G on transcript NM_013352.4 (MANE Select); coding-DNA position 580, A replaced by G.
Protein change: p.Arg194Gly; replaces arginine 194 with glycine.
Molecular consequence: missense variant. On other transcripts: 5 prime UTR variant (2), non-coding transcript variant (1).
Genome position (GRCh38, 1-based): chr6:116,426,737, A>G. VCF-style: chr6-116426737-A-G. GRCh37 (hg19) VCF-style: chr6-116747900-A-G.
Other names: c.-8A>G (NM_001374521.1); c.580A>G, p.Arg194Gly (NM_001374522.1, NM_001080976.3, NM_001322937.2 and 3 more transcripts); c.637A>G, p.Arg213Gly (NM_001322939.2); c.19A>G, p.Arg7Gly (NM_001322940.2, NM_001322941.2); c.-321A>G (NM_001374520.1); short protein forms R194G, R213G, R7G.
Identifiers: ClinVar variation 4687120 (VCV004687120.1).